The following is an entry in ClinVar:

NM_003177.7(SYK):c.1900G>A (p.Val634Met)

Gene: SYK (spleen associated tyrosine kinase; plus strand). Cytogenetic location: 9q22.2.
Variant type: single nucleotide variant.
Coding change: c.1900G>A on transcript NM_003177.7 (MANE Select); coding-DNA position 1900, G replaced by A.
Protein change: p.Val634Met; replaces valine 634 with methionine.
Molecular consequence: missense variant.
Genome position (GRCh38, 1-based): chr9:90,895,592, G>A. VCF-style: chr9-90895592-G-A. GRCh37 (hg19) VCF-style: chr9-93657874-G-A.
Other names: c.1831G>A, p.Val611Met (NM_001135052.4, NM_001174168.3); c.1900G>A, p.Val634Met (NM_001174167.3); short protein forms V611M, V634M.
Identifiers: ClinVar variation 4992245 (VCV004992245.1).
Genomic context (GRCh38, chr9:90,895,592, plus strand): 5'-GAAAACAGGCCCGGATTCGCAGCAGTGGAACTGCGGCTGCGCAATTACTACTATGACGTG[G>A]TGAACTAACCGCTCCCGCACCTGTCGGTGGCTGCCTTTGATCACAGGAGCAATCACAGGA-3'
Protein context (NP_003168.2, residues 624-635): LRLRNYYYDV[Val634Met]N

ClinVar aggregate classification (germline): Uncertain significance (1 of 4 stars; one submission).

Conditions:
SYK-related disorder. Also called: SYK-related condition.

Submission:

PreventionGenetics, part of Exact Sciences
Classification: Uncertain significance for SYK-related condition. Last evaluated: 2025-11-12. Review status: criteria provided, single submitter. Criteria: ACMG Guidelines, 2015. Collection method: clinical testing. Allele origin: germline.
Comment: The SYK c.1900G>A variant is predicted to result in the amino acid substitution p.Val634Met. To our knowledge, this variant has not been reported in the literature or in a large population database (gnomAD), indicating this variant is rare. At this time, the clinical significance of this variant is uncertain due to the absence of conclusive functional and genetic evidence.